The following is an entry in ClinVar:

NM_003105.6(SORL1):c.3239G>A (p.Arg1080His)

Genes: SORL1 (sortilin related receptor 1; plus strand), LOC130006953 (ATAC-STARR-seq lymphoblastoid active region 5661; plus strand). Cytogenetic location: 11q24.1.
Variant type: single nucleotide variant.
Coding change: c.3239G>A on transcript NM_003105.6 (MANE Select); coding-DNA position 3239, G replaced by A.
Protein change: p.Arg1080His; replaces arginine 1080 with histidine.
Molecular consequence: missense variant.
Genome position (GRCh38, 1-based): chr11:121,570,172, G>A. VCF-style: chr11-121570172-G-A. GRCh37 (hg19) VCF-style: chr11-121440881-G-A.
Other names: short protein forms R1080H.
Identifiers: ClinVar variation 4696393 (VCV004696393.1).

ClinVar aggregate classification (germline): Uncertain significance (1 of 4 stars; one submission).

gnomAD v4.1: 40 of 1,613,360 alleles (0.0025%); highest among the groups gnomAD compares: South Asian, 0.011%; no homozygotes.

Submission:

Labcorp Genetics (formerly Invitae), Labcorp
Classification: Uncertain significance. Last evaluated: 2025-10-13. Review status: criteria provided, single submitter. Criteria: Invitae Variant Classification Sherloc (09022015). Collection method: clinical testing. Allele origin: germline.
Comment: This sequence change replaces arginine, which is basic and polar, with histidine, which is basic and polar, at codon 1080 of the SORL1 protein (p.Arg1080His). This variant is present in population databases (rs766300001, gnomAD 0.01%). This missense change has been observed in individual(s) with clinical features of frontotemporal dementia (PMID: 33737586). An algorithm developed to predict the effect of missense changes on protein structure and function (PolyPhen-2) suggests that this variant is likely to be tolerated. In summary, the available evidence is currently insufficient to determine the role of this variant in disease. Therefore, it has been classified as a Variant of Uncertain Significance.

Literature cited by the submitters: PubMed 33737586.